The following is an entry in ClinVar:

NM_177400.3(NKX6-2):c.418G>C (p.Gly140Arg)

Gene: NKX6-2 (NK6 homeobox 2; minus strand). Cytogenetic location: 10q26.3.
Variant type: single nucleotide variant.
Coding change: c.418G>C on transcript NM_177400.3 (MANE Select); coding-DNA position 418, G replaced by C.
Protein change: p.Gly140Arg; replaces glycine 140 with arginine.
Molecular consequence: missense variant.
Genome position (GRCh38, 1-based): chr10:132,785,441, C>G on the plus strand (G>C on the coding strand, the complement: NKX6-2 is on the minus strand). VCF-style: chr10-132785441-C-G. GRCh37 (hg19) VCF-style: chr10-134598945-C-G.
Other names: short protein forms G140R.
Identifiers: ClinVar variation 1982209 (VCV001982209.5), dbSNP rs1008573179, ClinGen allele CA216760224.

ClinVar aggregate classification (germline): Uncertain significance. Review status: criteria provided, multiple submitters, no conflicts (2 of 4 stars). 2 submissions from 2 submitters: Uncertain significance (2). Last evaluated 2022-05-14.

Conditions:
Inborn genetic diseases. Identifiers: MedGen C0950123, MeSH D030342.

Allele frequency attached by ClinVar (database versions not stated): gnomAD exomes 0.00001.

Submissions (2):

Labcorp Genetics (formerly Invitae), Labcorp
Classification: Uncertain significance. Last evaluated: 2022-05-14. Review status: criteria provided, single submitter. Criteria: Invitae Variant Classification Sherloc (09022015). Collection method: clinical testing. Allele origin: germline.
Comment: In summary, the available evidence is currently insufficient to determine the role of this variant in disease. Therefore, it has been classified as a Variant of Uncertain Significance. Algorithms developed to predict the effect of missense changes on protein structure and function (SIFT, PolyPhen-2, Align-GVGD) all suggest that this variant is likely to be tolerated. This variant has not been reported in the literature in individuals affected with NKX6-2-related conditions. This variant is not present in population databases (gnomAD no frequency). This sequence change replaces glycine, which is neutral and non-polar, with arginine, which is basic and polar, at codon 140 of the NKX6-2 protein (p.Gly140Arg).

Ambry Genetics
Classification: Uncertain significance for Inborn genetic diseases. Last evaluated: 2021-09-18. Review status: criteria provided, single submitter. Criteria: Ambry Variant Classification Scheme 2023. Collection method: clinical testing. Allele origin: germline.